The following is an entry in ClinVar:

ClinVar aggregate classification (germline): Likely benign (1 of 4 stars; one submission).

Submission:

CeGaT Center for Human Genetics Tuebingen
Classification: Likely benign. Last evaluated: 2023-03-01. Review status: criteria provided, single submitter. Criteria: CeGaT Center For Human Genetics Tuebingen Variant Classification Criteria Version 2. Collection method: clinical testing. Allele origin: germline. Affected: yes. Observed: 1 variant allele.
Comment: NBPF14: BP4, BS2

Single allele

Gene: NBPF14 (NBPF member 14; minus strand). Cytogenetic location: 1q21.2.
Variant type: single nucleotide variant.
Identifiers: ClinVar variation 2639134 (VCV002639134.19), dbSNP rs587714123, ClinGen allele CA1067557.